The following is an entry in ClinVar:

NM_138694.4(PKHD1):c.9236C>T (p.Ala3079Val)

Gene: PKHD1 (PKHD1 ciliary IPT domain containing fibrocystin/polyductin; minus strand). Cytogenetic location: 6p12.3.
Variant type: single nucleotide variant.
Coding change: c.9236C>T on transcript NM_138694.4 (MANE Select); coding-DNA position 9236, C replaced by T.
Protein change: p.Ala3079Val; replaces alanine 3079 with valine.
Molecular consequence: missense variant.
Genome position (GRCh38, 1-based): chr6:51,748,380, G>A on the plus strand (C>T on the coding strand, the complement: PKHD1 is on the minus strand). VCF-style: chr6-51748380-G-A. GRCh37 (hg19) VCF-style: chr6-51613178-G-A.
Other names: c.9236C>T, p.Ala3079Val (NM_170724.3); short protein forms A3079V.
Identifiers: ClinVar variation 3213775 (VCV003213775.2), dbSNP rs201333886, ClinGen allele CA138896541.

ClinVar aggregate classification (germline): Uncertain significance. Review status: criteria provided, multiple submitters, no conflicts (2 of 4 stars). 2 submissions from 2 submitters: Uncertain significance (2). Last evaluated 2026-06-09.

Conditions:
Inborn genetic diseases. Identifiers: MedGen C0950123, MeSH D030342.
PKHD1-related disorder. Also called: PKHD1-related condition.

Allele frequency attached by ClinVar (database versions not stated): gnomAD 0.00001; TOPMed 0.00003; 1000 Genomes Project 30x 0.00016.
gnomAD v4.1: 14 of 1,613,940 alleles (0.00087%); highest among the groups gnomAD compares: Middle Eastern, 0.017%; no homozygotes.

Submissions (2):

PreventionGenetics, part of Exact Sciences
Classification: Uncertain significance for PKHD1-related condition. Last evaluated: 2026-06-09. Review status: criteria provided, single submitter. Criteria: ACMG Guidelines, 2015. Collection method: clinical testing. Allele origin: germline.
Comment: The PKHD1 c.9236C>T variant is predicted to result in the amino acid substitution p.Ala3079Val. To our knowledge, this variant has not been reported in the literature. This variant is reported in 0.0050% of alleles in individuals of East Asian descent in gnomAD. At this time, the clinical significance of this variant is uncertain due to the absence of conclusive functional and genetic evidence.

Ambry Genetics
Classification: Uncertain significance for Inborn genetic diseases. Last evaluated: 2024-02-05. Review status: criteria provided, single submitter. Criteria: Ambry Variant Classification Scheme 2023. Collection method: clinical testing. Allele origin: germline.